The following is an entry in ClinVar:

ClinVar aggregate classification (germline): Uncertain significance (1 of 4 stars; one submission).

Conditions:
Pitt-Hopkins-like syndrome 2 (PTHSL2). Identifiers: Orphanet 221150, Orphanet 600663, MedGen C3280479, MONDO:0013690, OMIM 614325.

Allele frequency attached by ClinVar (database versions not stated): gnomAD exomes below 0.00001.
gnomAD v4.1: 2 of 1,611,124 alleles (0.00012%); highest among the groups gnomAD compares: Non-Finnish European, 0.00017%; no homozygotes.

Submission:

Labcorp Genetics (formerly Invitae), Labcorp
Classification: Uncertain significance for Pitt-Hopkins-like syndrome 2. Last evaluated: 2025-06-09. Review status: criteria provided, single submitter. Criteria: Invitae Variant Classification Sherloc (09022015). Collection method: clinical testing. Allele origin: germline.
Comment: This sequence change replaces leucine, which is neutral and non-polar, with valine, which is neutral and non-polar, at codon 1110 of the NRXN1 protein (p.Leu1110Val). This variant is not present in population databases (gnomAD no frequency). This variant has not been reported in the literature in individuals affected with NRXN1-related conditions. ClinVar contains an entry for this variant (Variation ID: 2802066). An algorithm developed to predict the effect of missense changes on protein structure and function (PolyPhen-2) suggests that this variant is likely to be tolerated. In summary, the available evidence is currently insufficient to determine the role of this variant in disease. Therefore, it has been classified as a Variant of Uncertain Significance.

NM_001330078.2(NRXN1):c.3208C>G (p.Leu1070Val)

Gene: NRXN1 (neurexin 1; minus strand). Cytogenetic location: 2p16.3.
Variant type: single nucleotide variant.
Coding change: c.3208C>G on transcript NM_001330078.2 (MANE Select); coding-DNA position 3208, C replaced by G.
Protein change: p.Leu1070Val; replaces leucine 1070 with valine.
Molecular consequence: missense variant.
Genome position (GRCh38, 1-based): chr2:50,472,334, G>C on the plus strand (C>G on the coding strand, the complement: NRXN1 is on the minus strand). VCF-style: chr2-50472334-G-C. GRCh37 (hg19) VCF-style: chr2-50699472-G-C.
Other names: c.3328C>G, p.Leu1110Val (NM_001135659.3); c.3184C>G, p.Leu1062Val (NM_001330077.2, NM_001330082.2); c.3142C>G, p.Leu1048Val (NM_001330083.2, NM_001330084.2); c.3181C>G, p.Leu1061Val (NM_001330085.2); c.3208C>G, p.Leu1070Val (NM_001330086.2, NM_004801.6); c.3097C>G, p.Leu1033Val (NM_001330087.2, NM_001330096.2); c.3127C>G, p.Leu1043Val (NM_001330088.2); c.3205C>G, p.Leu1069Val (NM_001330093.2); and 2 more; short protein forms L1043V, L1062V, L1048V, L1053V, L1061V, L1069V, L1033V, L1066V.
Identifiers: ClinVar variation 2802066 (VCV002802066.3), dbSNP rs2089560509, ClinGen allele CA346772083.